The following is an entry in ClinVar:

NM_003664.5(AP3B1):c.1924G>A (p.Val642Met)

Gene: AP3B1 (adaptor related protein complex 3 subunit beta 1; minus strand). Cytogenetic location: 5q14.1.
Variant type: single nucleotide variant.
Coding change: c.1924G>A on transcript NM_003664.5 (MANE Select); coding-DNA position 1924, G replaced by A.
Protein change: p.Val642Met; replaces valine 642 with methionine.
Molecular consequence: missense variant.
Genome position (GRCh38, 1-based): chr5:78,128,074, C>T on the plus strand (G>A on the coding strand, the complement: AP3B1 is on the minus strand). VCF-style: chr5-78128074-C-T. GRCh37 (hg19) VCF-style: chr5-77423898-C-T.
Other names: c.1777G>A, p.Val593Met (NM_001271769.2); c.1924G>A, p.Val642Met (NM_001410752.1); short protein forms V593M, V642M.
Identifiers: ClinVar variation 4724074 (VCV004724074.1).

ClinVar aggregate classification (germline): Uncertain significance (1 of 4 stars; one submission).

Conditions:
Hermansky-Pudlak syndrome 2 (HPS2). Also called: Platelet defects and oculocutaneous albinism. Identifiers: Orphanet 183678, Orphanet 79430, MedGen C1842362, MONDO:0011997, OMIM 608233.

Submission:

Labcorp Genetics (formerly Invitae), Labcorp
Classification: Uncertain significance for Hermansky-Pudlak syndrome 2. Last evaluated: 2025-08-01. Review status: criteria provided, single submitter. Criteria: Invitae Variant Classification Sherloc (09022015). Collection method: clinical testing. Allele origin: germline.
Comment: This sequence change replaces valine, which is neutral and non-polar, with methionine, which is neutral and non-polar, at codon 642 of the AP3B1 protein (p.Val642Met). This variant is not present in population databases (gnomAD no frequency). This variant has not been reported in the literature in individuals affected with AP3B1-related conditions. An algorithm developed to predict the effect of missense changes on protein structure and function (PolyPhen-2) suggests that this variant is likely to be tolerated. In summary, the available evidence is currently insufficient to determine the role of this variant in disease. Therefore, it has been classified as a Variant of Uncertain Significance.